The following is an entry in ClinVar:

NM_014989.7(RIMS1):c.1190G>A (p.Arg397His)

Gene: RIMS1 (regulating synaptic membrane exocytosis 1; plus strand). Cytogenetic location: 6q13.
Variant type: single nucleotide variant.
Coding change: c.1190G>A on transcript NM_014989.7 (MANE Select); coding-DNA position 1190, G replaced by A.
Protein change: p.Arg397His; replaces arginine 397 with histidine.
Molecular consequence: missense variant.
Genome position (GRCh38, 1-based): chr6:72,182,661, G>A. VCF-style: chr6-72182661-G-A. GRCh37 (hg19) VCF-style: chr6-72892364-G-A.
Other names: short protein forms R397H.
Identifiers: ClinVar variation 2127616 (VCV002127616.4), dbSNP rs1411558455, ClinGen allele CA364820450.

ClinVar aggregate classification (germline): Uncertain significance (1 of 4 stars; one submission).

Submission:

Labcorp Genetics (formerly Invitae), Labcorp
Classification: Uncertain significance. Last evaluated: 2022-04-18. Review status: criteria provided, single submitter. Criteria: Invitae Variant Classification Sherloc (09022015). Collection method: clinical testing. Allele origin: germline.
Comment: This sequence change replaces arginine, which is basic and polar, with histidine, which is basic and polar, at codon 397 of the RIMS1 protein (p.Arg397His). This variant is not present in population databases (gnomAD no frequency). This variant has not been reported in the literature in individuals affected with RIMS1-related conditions. Algorithms developed to predict the effect of missense changes on protein structure and function output the following: SIFT: "Tolerated"; PolyPhen-2: "Benign"; Align-GVGD: "Class C0". The histidine amino acid residue is found in multiple mammalian species, which suggests that this missense change does not adversely affect protein function. In summary, the available evidence is currently insufficient to determine the role of this variant in disease. Therefore, it has been classified as a Variant of Uncertain Significance.